The following is an entry in ClinVar:

ClinVar aggregate classification (germline): Uncertain significance. Review status: criteria provided, multiple submitters, no conflicts (2 of 4 stars). 2 submissions from 2 submitters: Uncertain significance (2). Last evaluated 2026-03-21.

Conditions:
NRP1-related disorder. Also called: NRP1-related condition.

gnomAD v4.1: 10 of 1,613,950 alleles (0.00062%); highest among the groups gnomAD compares: African/African-American, 0.012%; no homozygotes.

Submissions (2):

PreventionGenetics, part of Exact Sciences
Classification: Uncertain significance for NRP1-related condition. Last evaluated: 2026-03-21. Review status: criteria provided, single submitter. Criteria: ACMG Guidelines, 2015. Collection method: clinical testing. Allele origin: germline.
Comment: The NRP1 c.1133C>G variant is predicted to result in the amino acid substitution p.Pro378Arg. To our knowledge, this variant has not been reported in the literature. This variant is reported in 0.012% of alleles in individuals of African descent in gnomAD. At this time, the clinical significance of this variant is uncertain due to the absence of conclusive functional and genetic evidence.

Ambry Genetics
Classification: Uncertain significance. Last evaluated: 2025-06-03. Review status: criteria provided, single submitter. Criteria: Ambry Variant Classification Scheme 2023. Collection method: clinical testing. Allele origin: germline.

NM_003873.7(NRP1):c.1133C>G (p.Pro378Arg)

Gene: NRP1 (neuropilin 1; minus strand). Cytogenetic location: 10p11.22.
Variant type: single nucleotide variant.
Coding change: c.1133C>G on transcript NM_003873.7 (MANE Select); coding-DNA position 1133, C replaced by G.
Protein change: p.Pro378Arg; replaces proline 378 with arginine.
Molecular consequence: missense variant. On other transcripts: non-coding transcript variant (1).
Genome position (GRCh38, 1-based): chr10:33,226,138, G>C on the plus strand (C>G on the coding strand, the complement: NRP1 is on the minus strand). VCF-style: chr10-33226138-G-C. GRCh37 (hg19) VCF-style: chr10-33515066-G-C.
Other names: c.1133C>G, p.Pro378Arg (NM_001024628.3, NM_001024629.3, NM_001244972.2 and 2 more transcripts); short protein forms P378R.
Identifiers: ClinVar variation 3921909 (VCV003921909.2).